The following is an entry in ClinVar:

ClinVar aggregate classification (germline): Pathogenic (1 of 4 stars; one submission).

Submission:

Quest Diagnostics Nichols Institute San Juan Capistrano
Classification: Pathogenic. Last evaluated: 2022-02-28. Review status: criteria provided, single submitter. Criteria: ACMG/ClinGen CNV Guidelines, 2019. Collection method: clinical testing. Allele origin: unknown.
Comment: This imbalance may cause phenotypic and/or developmental abnormalities. This deletion includes one exon (exon 62) of the DMD (dystrophin) gene (OMIM 300377). Deletion of this single exon causes out of frame translation. Dystrophinopathies including Becker Muscular Dystrophy (BMD)(OMIM 300376), Duchenne Muscular Dystrophy (DMD)(OMIM 310200), and DMD-Associated Dilated Cardiomyopathy (OMIM 302045) are X-linked recessive disorders caused by entire or intragenic DMD deletions and duplications as well as sequence variations, primarily affecting the isoform expressed in the skeletal muscles. Manifesting carriers may demonstrate variable degrees of symptoms (mild, moderate, or severe muscular dystrophy) depending, in part, on patterns of X-chromosome inactivation. Carrier females might be at risk for dilated cardiomyopathy (DCM) (Darras BTet al., GeneReviews [Internet]. Available from; Flanigan KM et al., HumMutat. 2009 Dec;30(12):1657-66. PMID: 19937601). The phenotype of a DMD/BMD gene alteration is best correlated with the degree of dystrophin protein expression.

GRCh37/hg19 Xp21.2(chrX:31301655-31365681)x1

Gene: DMD (dystrophin; minus strand). Cytogenetic location: Xp21.2.
Variant type: copy number loss.
Change: copy number 1 of chrX:31,301,655-31,365,681 (64.0 kb, GRCh37 coordinates, 1-based), cytogenetic band Xp21.2.
Identifiers: ClinVar variation 1808736 (VCV001808736.1).